The following is an entry in ClinVar:

ClinVar aggregate classification (germline): Uncertain significance (1 of 4 stars; one submission).

Submission:

Labcorp Genetics (formerly Invitae), Labcorp
Classification: Uncertain significance. Last evaluated: 2025-08-09. Review status: criteria provided, single submitter. Criteria: Invitae Variant Classification Sherloc (09022015). Collection method: clinical testing. Allele origin: germline.
Comment: This sequence change replaces alanine, which is neutral and non-polar, with serine, which is neutral and polar, at codon 209 of the ASRGL1 protein (p.Ala209Ser). This variant is not present in population databases (gnomAD no frequency). This variant has not been reported in the literature in individuals affected with ASRGL1-related conditions. ClinVar contains an entry for this variant (Variation ID: 3621009). An algorithm developed to predict the effect of missense changes on protein structure and function (PolyPhen-2) suggests that this variant is likely to be disruptive. In summary, the available evidence is currently insufficient to determine the role of this variant in disease. Therefore, it has been classified as a Variant of Uncertain Significance.

NM_001083926.2(ASRGL1):c.625G>T (p.Ala209Ser)

Gene: ASRGL1 (asparaginase and isoaspartyl peptidase 1; plus strand). Cytogenetic location: 11q12.3.
Variant type: single nucleotide variant.
Coding change: c.625G>T on transcript NM_001083926.2 (MANE Select); coding-DNA position 625, G replaced by T.
Protein change: p.Ala209Ser; replaces alanine 209 with serine.
Molecular consequence: missense variant.
Genome position (GRCh38, 1-based): chr11:62,391,536, G>T. VCF-style: chr11-62391536-G-T. GRCh37 (hg19) VCF-style: chr11-62159008-G-T.
Other names: c.625G>T, p.Ala209Ser (NM_025080.4); short protein forms A209S.
Identifiers: ClinVar variation 3621009 (VCV003621009.2).